The following is an entry in ClinVar:

ClinVar aggregate classification (germline): Likely pathogenic (1 of 4 stars; one submission).

Allele frequency attached by ClinVar (database versions not stated): gnomAD exomes below 0.00001.

Submission:

GeneDx
Classification: Likely pathogenic. Last evaluated: 2025-05-07. Review status: criteria provided, single submitter. Criteria: GeneDx Variant Classification Process June 2021. Collection method: clinical testing. Allele origin: germline. Affected: yes.
Comment: Frameshift variant predicted to result in abnormal protein length as the last 64 amino acid(s) are replaced with 8 different amino acid(s), and other similar variants have been reported in HGMD/; Not observed at significant frequency in large population cohorts (gnomAD); Has not been previously published as pathogenic or benign to our knowledge

NM_005213.4(CSTA):c.102_103del (p.Tyr35fs)

Gene: CSTA (cystatin A; plus strand). Cytogenetic location: 3q21.1.
Variant type: Deletion.
Coding change: c.102_103del on transcript NM_005213.4 (MANE Select); coding-DNA positions 102 to 103, 2 bases deleted (TT; older notation c.102_103delTT).
Protein change: p.Tyr35fs; shifts the reading frame from tyrosine 35.
Molecular consequence: frameshift variant.
Genome position (GRCh38, 1-based): chr3:122,337,582-122,337,583, TT deleted. VCF-style (leftmost placement, unchanged base first): chr3-122337581-CTT-C. GRCh37 (hg19) VCF-style: chr3-122056428-CTT-C.
Other names: c.102_103delTT (NM_005213.3); c.102_103del (NM_005213.3); short protein forms Y35fs.
Identifiers: ClinVar variation 450304 (VCV000450304.4), dbSNP rs1321015847, ClinGen allele CA435251804.
Genomic context (GRCh38, chr3:122,337,581, plus strand): 5'-TTTGTTTCCTCTTTTCTTTTCTTTAGGTTAAACCACAGCTTGAAGAAAAAACAAATGAGA[CTT>C]ACGGAAAATTGGAAGCTGTGCAGTATAAAACTCAAGTTGTTGCTGGAACAAATTACTACA-3'